The following is an entry in ClinVar:

ClinVar aggregate classification (germline): Uncertain significance. Review status: criteria provided, multiple submitters, no conflicts (2 of 4 stars). 2 submissions from 2 submitters: Uncertain significance (2). Last evaluated 2023-09-01.

Submissions (2):

CeGaT Center for Human Genetics Tuebingen
Classification: Uncertain significance. Last evaluated: 2023-09-01. Review status: criteria provided, single submitter. Criteria: CeGaT Center For Human Genetics Tuebingen Variant Classification Criteria Version 2. Collection method: clinical testing. Allele origin: germline. Affected: yes. Observed: 1 variant allele.
Comment: POMGNT1: PM2, PM5, PP3

Eurofins Ntd Llc (ga)
Classification: Uncertain significance. Last evaluated: 2015-12-04. Review status: criteria provided, single submitter. Criteria: EGL Classification Definitions 2015. Collection method: clinical testing. Allele origin: germline. Observed: 1 variant allele, 1 heterozygote.

NM_017739.4(POMGNT1):c.461C>T (p.Pro154Leu)

Genes: TSPAN1 (tetraspanin 1; plus strand), POMGNT1 (protein O-linked mannose N-acetylglucosaminyltransferase 1 (beta 1,2-); minus strand). Cytogenetic location: 1p34.1.
Variant type: single nucleotide variant.
Coding change: c.461C>T on transcript NM_017739.4 (MANE Select); coding-DNA position 461, C replaced by T.
Protein change: p.Pro154Leu; replaces proline 154 with leucine.
Molecular consequence: missense variant.
Genome position (GRCh38, 1-based): chr1:46,195,884, G>A on the plus strand (C>T on the coding strand, the complement: POMGNT1 is on the minus strand). VCF-style: chr1-46195884-G-A. GRCh37 (hg19) VCF-style: chr1-46661556-G-A.
Other names: c.461C>T, p.Pro154Leu (NM_001243766.2, NM_001410783.1); c.395C>T, p.Pro132Leu (NM_001290129.3); c.32C>T, p.Pro11Leu (NM_001290130.2); short protein forms P154L, P11L, P132L.
Identifiers: ClinVar variation 285156 (VCV000285156.29), dbSNP rs886043030, ClinGen allele CA10605017.
Genomic context (GRCh38, chr1:46,195,884, plus strand): 5'-ATGAGCACTCGGCCGGGCGCTACCATGTTGAGGAATAGCACCATGGCCTCATCCTCATGA[G>A]GTGAGTACGTGTCAAACACACGTTTTGCCATCACGTGGCCCTGGCAGGGGATATACTTCT-3'
Protein context (NP_060209.4, residues 144-164): MAKRVFDTYS[Pro154Leu]HEDEAMVLFL